The following is an entry in ClinVar:

ClinVar aggregate classification (germline): Uncertain significance. Review status: criteria provided, multiple submitters, no conflicts (2 of 4 stars). 4 submissions from 4 submitters: Uncertain significance (4). Last evaluated 2025-11-18.

Conditions:
Hereditary cancer-predisposing syndrome. Also called: Hereditary neoplastic syndrome; Neoplastic Syndromes, Hereditary; Hereditary Cancer Syndrome; Tumor predisposition. Identifiers: Orphanet 140162, MedGen C0027672, MeSH D009386, MONDO:0015356.

Allele frequency attached by ClinVar (database versions not stated): gnomAD 0.00001; gnomAD exomes 0.00001.
gnomAD v4.1: 9 of 1,613,974 alleles (0.00056%); highest among the groups gnomAD compares: African/African-American, 0.0013%; no homozygotes.

Submissions (4):

Labcorp Genetics (formerly Invitae), Labcorp
Classification: Uncertain significance. Last evaluated: 2025-11-18. Review status: criteria provided, single submitter. Criteria: Invitae Variant Classification Sherloc (09022015). Collection method: clinical testing. Allele origin: germline.
Comment: This sequence change replaces valine, which is neutral and non-polar, with methionine, which is neutral and non-polar, at codon 595 of the CTNNA1 protein (p.Val595Met). This variant is not present in population databases (gnomAD no frequency). This variant has not been reported in the literature in individuals affected with CTNNA1-related conditions. ClinVar contains an entry for this variant (Variation ID: 936896). Invitae Evidence Modeling of protein sequence and biophysical properties (such as structural, functional, and spatial information, amino acid conservation, physicochemical variation, residue mobility, and thermodynamic stability) indicates that this missense variant is not expected to disrupt CTNNA1 protein function with a negative predictive value of 80%. In summary, the available evidence is currently insufficient to determine the role of this variant in disease. Therefore, it has been classified as a Variant of Uncertain Significance.

Ambry Genetics
Classification: Uncertain significance for Hereditary cancer-predisposing syndrome. Last evaluated: 2025-07-23. Review status: criteria provided, single submitter. Criteria: Ambry Variant Classification Scheme 2023. Collection method: clinical testing. Allele origin: germline.
Comment: The p.V595M variant (also known as c.1783G>A), located in coding exon 12 of the CTNNA1 gene, results from a G to A substitution at nucleotide position 1783. The valine at codon 595 is replaced by methionine, an amino acid with highly similar properties. In one study, this alteration was identified in 1/151,425 individuals who underwent multi-gene germline genetic testing and classified as a variant of uncertain significance by the authors (Clark DF et al. Genet Med, 2020 May;22:840-846). This amino acid position is well conserved in available vertebrate species. In addition, the in silico prediction for this alteration is inconclusive. Based on the available evidence, the clinical significance of this variant remains unclear.

GeneDx
Classification: Uncertain significance. Last evaluated: 2024-08-27. Review status: criteria provided, single submitter. Criteria: GeneDx Variant Classification Process June 2021. Collection method: clinical testing. Allele origin: germline. Affected: yes.
Comment: Not observed at significant frequency in large population cohorts (gnomAD); In silico analysis indicates that this missense variant does not alter protein structure/function; Observed in individuals referred for hereditary cancer multi-gene panel testing (PMID: 32051609); This variant is associated with the following publications: (PMID: 36863698, 32051609)

Blueprint Genetics
Classification: Uncertain significance. Last evaluated: 2023-07-31. Review status: criteria provided, single submitter. Criteria: ACMG Guidelines, 2015. Collection method: clinical testing. Allele origin: germline.

Literature cited by the submitters: PubMed 32051609 (cited by Ambry Genetics).

NM_001903.5(CTNNA1):c.1783G>A (p.Val595Met)

Gene: CTNNA1 (catenin alpha 1; plus strand). Cytogenetic location: 5q31.2.
Variant type: single nucleotide variant.
Coding change: c.1783G>A on transcript NM_001903.5 (MANE Select); coding-DNA position 1783, G replaced by A.
Protein change: p.Val595Met; replaces valine 595 with methionine.
Molecular consequence: missense variant.
Genome position (GRCh38, 1-based): chr5:138,925,291, G>A. VCF-style: chr5-138925291-G-A. GRCh37 (hg19) VCF-style: chr5-138260980-G-A.
Other names: c.1783G>A, p.Val595Met (NM_001290307.3, NM_001323982.2, NM_001323983.1 and 2 more transcripts); c.1474G>A, p.Val492Met (NM_001290309.3); c.1414G>A, p.Val472Met (NM_001290310.3); c.673G>A, p.Val225Met (NM_001290312.1, NM_001323987.1, NM_001323988.1 and 17 more transcripts); c.1690G>A, p.Val564Met (NM_001323986.2); c.334G>A, p.Val112Met (NM_001324006.1, NM_001324007.1, NM_001324008.1 and 2 more transcripts); c.580G>A, p.Val194Met (NM_001324011.1); c.430G>A, p.Val144Met (NM_001324012.1, NM_001324013.1); short protein forms V112M, V144M, V225M, V472M, V492M, V564M, V595M, V194M.
Identifiers: ClinVar variation 936896 (VCV000936896.13), dbSNP rs757780458, ClinGen allele CA128217504.